The following is an entry in ClinVar:

NM_001379500.1(COL18A1):c.1732G>A (p.Ala578Thr)

Gene: COL18A1 (collagen type XVIII alpha 1 chain; plus strand). Cytogenetic location: 21q22.3.
Variant type: single nucleotide variant.
Coding change: c.1732G>A on transcript NM_001379500.1 (MANE Select); coding-DNA position 1732, G replaced by A.
Protein change: p.Ala578Thr; replaces alanine 578 with threonine.
Molecular consequence: missense variant.
Genome position (GRCh38, 1-based): chr21:45,486,891, G>A. VCF-style: chr21-45486891-G-A. GRCh37 (hg19) VCF-style: chr21-46906805-G-A.
Other names: c.2272G>A, p.Ala758Thr (NM_030582.4); c.2977G>A, p.Ala993Thr (NM_130444.3); short protein forms A578T, A758T, A993T.
Identifiers: ClinVar variation 4883750 (VCV004883750.2).

ClinVar aggregate classification (germline): Uncertain significance (1 of 4 stars; one submission).

gnomAD v4.1: 1 of 1,526,324 alleles (0.000066%); highest among the groups gnomAD compares: Non-Finnish European, 0.000088%; no homozygotes.

Submission:

Dasa
Classification: Uncertain significance. Last evaluated: 2026-01-27. Review status: criteria provided, single submitter. Criteria: DASA Assertion Criteria. Collection method: clinical testing. Allele origin: germline.
Comment: NM_001379500.1(COL18A1):c.1732G>A (p.Ala578Thr) is a missense variant that results in the substitution of alanine with threonine. This variant is rare in population databases. Computational prediction algorithms are consistent with a benign effect. The currently available literature and clinical evidence are not sufficient to establish a definitive association between this variant and the reported condition. Therefore, this variant is classified as a variant of uncertain significance.